The following is an entry in ClinVar:

ClinVar aggregate classification (germline): Conflicting classifications of pathogenicity. Review status: criteria provided, conflicting classifications (1 of 4 stars). 3 submissions from 3 submitters: Uncertain significance (1); Benign (1); Likely benign (1). Last evaluated 2024-04-02.

Conditions:
Mitochondrial complex I deficiency, nuclear type 1. Also called: NADH-COENZYME Q REDUCTASE DEFICIENCY; MITOCHONDRIAL NADH DEHYDROGENASE COMPONENT OF COMPLEX I, DEFICIENCY OF. Identifiers: MedGen C6022305, MONDO:0100224, OMIM 252010.

Allele frequency attached by ClinVar (database versions not stated): ExAC 0.00004; gnomAD exomes 0.00005; gnomAD 0.00007 and 0.00008; TOPMed 0.00010.

Submissions (4):

Labcorp Genetics (formerly Invitae), Labcorp
Classification: Likely benign. Last evaluated: 2024-04-02. Review status: criteria provided, single submitter. Criteria: Invitae Variant Classification Sherloc (09022015). Collection method: clinical testing. Allele origin: germline.

Illumina Laboratory Services, Illumina
Classification: Uncertain significance for Mitochondrial complex I deficiency, nuclear type 1. Last evaluated: 2018-03-02. Review status: criteria provided, single submitter. Criteria: ICSL Variant Classification Criteria 13 December 2019. Collection method: clinical testing. Allele origin: germline.

GeneDx
Classification: Benign. Last evaluated: 2014-04-03. Review status: criteria provided, single submitter. Criteria: GeneDx Variant Classification (06012015). Collection method: clinical testing. Allele origin: germline. Affected: yes.
Comment: This variant is considered likely benign or benign based on one or more of the following criteria: it is a conservative change, it occurs at a poorly conserved position in the protein, it is predicted to be benign by multiple in silico algorithms, and/or has population frequency not consistent with disease.

Dr. Peter K. Rogan Lab, Western University
No classification provided (evidence only). Condition: Ovarian serous cystadenocarcinoma. Review status: no classification provided. Collection method: in vitro. Allele origin: not applicable. Functional consequence: retained intron. Not counted in ClinVar's aggregate classification.

NM_199069.2(NDUFAF3):c.78-15C>G

Genes: NDUFAF3 (NADH:ubiquinone oxidoreductase complex assembly factor 3; plus strand), LOC129936730 (ATAC-STARR-seq lymphoblastoid silent region 14350; plus strand). Cytogenetic location: 3p21.31.
Variant type: single nucleotide variant.
Coding change: c.78-15C>G on transcript NM_199069.2 (MANE Select); 15 bases into the intron before coding-DNA position 78, C replaced by G.
Molecular consequence: intron variant.
Genome position (GRCh38, 1-based): chr3:49,022,331, C>G. VCF-style: chr3-49022331-C-G. GRCh37 (hg19) VCF-style: chr3-49059764-C-G.
Other names: c.-94-15C>G (NM_199074.2, NM_199073.2, NM_199070.2).
Identifiers: ClinVar variation 138458 (VCV000138458.10), dbSNP rs587781096, ClinGen allele CA292453.
Genomic context (GRCh38, chr3:49,022,331, plus strand): 5'-ACTGCCAGCCCAGCACCTTCCGGCCTCTCGGGCTGCCCGGCCCGGCCCCGCGCCCCTGAC[C>G]CTTTCCCTCCGCAGGGCCCCGCGGCGAGGGCATCGGCTCTCGCCGGCGGATGACGAGCTG-3'